The following is an entry in ClinVar:

NM_001457.4(FLNB):c.5426-133C>T

Gene: FLNB (filamin B; plus strand). Cytogenetic location: 3p14.3.
Variant type: single nucleotide variant.
Coding change: c.5426-133C>T on transcript NM_001457.4 (MANE Select); 133 bases into the intron before coding-DNA position 5426, C replaced by T.
Molecular consequence: intron variant.
Genome position (GRCh38, 1-based): chr3:58,145,788, C>T. VCF-style: chr3-58145788-C-T. GRCh37 (hg19) VCF-style: chr3-58131515-C-T.
Other names: c.5519-133C>T (NM_001164317.2); c.5393-133C>T (NM_001164318.2); c.5354-133C>T (NM_001164319.2).
Identifiers: ClinVar variation 671137 (VCV000671137.2), dbSNP rs7355798, ClinGen allele CA11444289.

ClinVar aggregate classification (germline): Benign. Review status: criteria provided, multiple submitters, no conflicts (2 of 4 stars). 2 submissions from 2 submitters: Benign (2). Last evaluated 2018-06-14.

Allele frequency attached by ClinVar (database versions not stated): 1000 Genomes Project 0.15116; 1000 Genomes Project 30x 0.15256; TOPMed 0.21236; gnomAD 0.21532 and 0.21694; gnomAD exomes 0.24377.
gnomAD v4.1: 257,014 of 1,070,950 alleles (24%); highest among the groups gnomAD compares: Middle Eastern, 35%; 33,069 homozygotes.

Submissions (2):

GeneDx
Classification: Benign. Last evaluated: 2018-06-14. Review status: criteria provided, single submitter. Criteria: GeneDx Variant Classification (06012015). Collection method: clinical testing. Allele origin: germline. Affected: yes.
Comment: This variant is considered likely benign or benign based on one or more of the following criteria: it is a conservative change, it occurs at a poorly conserved position in the protein, it is predicted to be benign by multiple in silico algorithms, and/or has population frequency not consistent with disease.

Breakthrough Genomics
Classification: Benign. Review status: criteria provided, single submitter. Criteria: ACMG Guidelines, 2015. Collection method: not provided. Allele origin: germline. Inheritance: Autosomal recessive inheritance. Affected: yes.